The following is an entry in ClinVar:

ClinVar aggregate classification (germline): Uncertain significance. Review status: criteria provided, multiple submitters, no conflicts (2 of 4 stars). 2 submissions from 2 submitters: Uncertain significance (2). Last evaluated 2025-05-06.

Conditions:
Inborn genetic diseases. Identifiers: MedGen C0950123, MeSH D030342.

Allele frequency attached by ClinVar (database versions not stated): gnomAD exomes below 0.00001; TOPMed 0.00001.
gnomAD v4.1: 5 of 1,459,144 alleles (0.00034%); highest among the groups gnomAD compares: African/African-American, 0.0074%; no homozygotes.

Submissions (2):

Ambry Genetics
Classification: Uncertain significance for Inborn genetic diseases. Last evaluated: 2025-05-06. Review status: criteria provided, single submitter. Criteria: Ambry Variant Classification Scheme 2023. Collection method: clinical testing. Allele origin: germline.

Labcorp Genetics (formerly Invitae), Labcorp
Classification: Uncertain significance. Last evaluated: 2025-01-06. Review status: criteria provided, single submitter. Criteria: Invitae Variant Classification Sherloc (09022015). Collection method: clinical testing. Allele origin: germline.
Comment: This sequence change replaces glutamine, which is neutral and polar, with leucine, which is neutral and non-polar, at codon 88 of the HTRA1 protein (p.Gln88Leu). This variant is not present in population databases (gnomAD no frequency). This variant has not been reported in the literature in individuals affected with HTRA1-related conditions. ClinVar contains an entry for this variant (Variation ID: 2869962). Invitae Evidence Modeling of protein sequence and biophysical properties (such as structural, functional, and spatial information, amino acid conservation, physicochemical variation, residue mobility, and thermodynamic stability) indicates that this missense variant is not expected to disrupt HTRA1 protein function with a negative predictive value of 95%. In summary, the available evidence is currently insufficient to determine the role of this variant in disease. Therefore, it has been classified as a Variant of Uncertain Significance.

NM_002775.5(HTRA1):c.263A>T (p.Gln88Leu)

Gene: HTRA1 (HtrA serine peptidase 1; plus strand). Cytogenetic location: 10q26.13.
Variant type: single nucleotide variant.
Coding change: c.263A>T on transcript NM_002775.5 (MANE Select); coding-DNA position 263, A replaced by T.
Protein change: p.Gln88Leu; replaces glutamine 88 with leucine.
Molecular consequence: missense variant.
Genome position (GRCh38, 1-based): chr10:122,461,915, A>T. VCF-style: chr10-122461915-A-T. GRCh37 (hg19) VCF-style: chr10-124221431-A-T.
Other names: c.263A>T (NM_002775.4); short protein forms Q88L.
Identifiers: ClinVar variation 2869962 (VCV002869962.4), dbSNP rs1404163250, ClinGen allele CA378606050.